The following is an entry in ClinVar:

ClinVar aggregate classification (germline): Pathogenic. Review status: criteria provided, multiple submitters, no conflicts (2 of 4 stars). 2 submissions from 2 submitters: Pathogenic (2). Last evaluated 2026-09-02.

Conditions:
BAP1-related tumor predisposition syndrome (TPDS1). Also called: TUMOR PREDISPOSITION SYNDROME 1; COMMON Syndrome; Tumor susceptibility linked to germline BAP1 mutations; BAP1 tumor predisposition syndrome. Identifiers: Orphanet 289539, MedGen C3280492, MONDO:0013692, OMIM 614327.
Hereditary cancer-predisposing syndrome. Also called: Neoplastic Syndromes, Hereditary; Tumor predisposition; Hereditary neoplastic syndrome; Hereditary Cancer Syndrome. Identifiers: Orphanet 140162, MedGen C0027672, MeSH D009386, MONDO:0015356.

Submissions (2):

Myriad Genetics, Inc.
Classification: Pathogenic for BAP1-related tumor predisposition syndrome. Last evaluated: 2026-09-02. Review status: criteria provided, single submitter. Criteria: Myriad Autosomal Dominant, Autosomal Recessive and X-Linked Classification Criteria (2023). Collection method: clinical testing. Allele origin: unknown.
Comment: This variant is considered pathogenic. This variant creates a termination codon and is predicted to result in premature protein truncation.

Ambry Genetics
Classification: Pathogenic for Hereditary cancer-predisposing syndrome. Last evaluated: 2025-11-26. Review status: criteria provided, single submitter. Criteria: Ambry Variant Classification Scheme 2023. Collection method: clinical testing. Allele origin: germline.
Comment: The p.K240* pathogenic mutation (also known as c.718A>T), located in coding exon 9 of the BAP1 gene, results from an A to T substitution at nucleotide position 718. This changes the amino acid from a lysine to a stop codon within coding exon 9. This variant is considered to be rare based on population cohorts in the Genome Aggregation Database (gnomAD). This alteration is expected to result in loss of function by premature protein truncation or nonsense-mediated mRNA decay. As such, this alteration is interpreted as a disease-causing mutation.

NM_004656.4(BAP1):c.718A>T (p.Lys240Ter)

Gene: BAP1 (BRCA1 associated deubiquitinase 1; minus strand). Cytogenetic location: 3p21.1.
Variant type: single nucleotide variant.
Coding change: c.718A>T on transcript NM_004656.4 (MANE Select); coding-DNA position 718, A replaced by T.
Protein change: p.Lys240Ter; replaces lysine 240 with a stop codon.
Molecular consequence: nonsense.
Genome position (GRCh38, 1-based): chr3:52,406,318, T>A on the plus strand (A>T on the coding strand, the complement: BAP1 is on the minus strand). VCF-style: chr3-52406318-T-A. GRCh37 (hg19) VCF-style: chr3-52440334-T-A.
Other names: c.664A>T, p.Lys222Ter (NM_001410772.1); short protein forms K222*, K240*.
Identifiers: ClinVar variation 4620801 (VCV004620801.2).